The following is an entry in ClinVar:

ClinVar aggregate classification (germline): Conflicting classifications of pathogenicity. Review status: criteria provided, conflicting classifications (1 of 4 stars). 4 submissions from 4 submitters: Pathogenic (1); Uncertain significance (3). Last evaluated 2026-08-07.

Conditions:
Ornithine aminotransferase deficiency (GACR). Also called: HYPERORNITHINEMIA WITH GYRATE ATROPHY OF CHOROID AND RETINA; OAT DEFICIENCY; OKT DEFICIENCY; Ornithine ketoacid aminotransferase deficiency; Gyrate atrophy; Gyrate atrophy of choroid and retina. Identifiers: Orphanet 414, MedGen C0018425, MONDO:0009796, OMIM 258870.

Allele frequency attached by ClinVar (database versions not stated): ExAC 0.00001; gnomAD exomes 0.00001; gnomAD 0.00002; 1000 Genomes Project 0.00020; 1000 Genomes Project 30x 0.00031.

Submissions (4):

Myriad Genetics, Inc.
Classification: Uncertain significance for Ornithine aminotransferase deficiency. Last evaluated: 2026-08-07. Review status: criteria provided, single submitter. Criteria: Myriad Autosomal Dominant, Autosomal Recessive and X-Linked Classification Criteria (2023). Collection method: clinical testing. Allele origin: unknown.
Comment: NM_000274.3(OAT):c.460C>T(R154C) is a missense variant classified as a variant of uncertain significance in the context of ornithine aminotransferase deficiency. R154C has been observed in a case with relevant disease (PMID: 39053126). Relevant functional assessments of this variant are not available in the literature. R154C has been observed in referenced population frequency databases. In summary, there is insufficient evidence to classify NM_000274.3(OAT):c.460C>T(R154C) as pathogenic or benign. Please note: this variant was assessed in the context of healthy population screening.

GeneDx
Classification: Uncertain significance. Last evaluated: 2024-10-08. Review status: criteria provided, single submitter. Criteria: GeneDx Variant Classification Process June 2021. Collection method: clinical testing. Allele origin: germline. Affected: yes.
Comment: In silico analysis supports that this missense variant has a deleterious effect on protein structure/function; This variant is associated with the following publications: (PMID: 39053126, 1737786)

Labcorp Genetics (formerly Invitae), Labcorp
Classification: Uncertain significance for Ornithine aminotransferase deficiency. Last evaluated: 2022-08-22. Review status: criteria provided, single submitter. Criteria: Invitae Variant Classification Sherloc (09022015). Collection method: clinical testing. Allele origin: germline.
Comment: This sequence change replaces arginine, which is basic and polar, with cysteine, which is neutral and slightly polar, at codon 154 of the OAT protein (p.Arg154Cys). This variant is present in population databases (rs1804030, gnomAD 0.01%). This variant has not been reported in the literature in individuals affected with OAT-related conditions. Algorithms developed to predict the effect of missense changes on protein structure and function (SIFT, PolyPhen-2, Align-GVGD) all suggest that this variant is likely to be disruptive. In summary, the available evidence is currently insufficient to determine the role of this variant in disease. Therefore, it has been classified as a Variant of Uncertain Significance.

Juno Genomics, Hangzhou Juno Genomics, Inc
Classification: Pathogenic for Ornithine aminotransferase deficiency. Review status: criteria provided, single submitter. Criteria: ACMG Guidelines, 2015. Collection method: clinical testing. Allele origin: germline.
Comment: Absent from controls (or at extremely low frequency if recessive) in Genome Aggregation Database.;Multiple lines of computational evidence support a deleterious effect on the gene or gene product.;For recessive disorders, detected in trans with a pathogenic variant.;Patient's phenotype or family history is highly specific for a disease with a single genetic etiology.

Literature cited by the submitters: PubMed 39053126 (cited by Myriad Genetics, Inc.).

NM_000274.4(OAT):c.460C>T (p.Arg154Cys)

Gene: OAT (ornithine aminotransferase; minus strand). Cytogenetic location: 10q26.13.
Variant type: single nucleotide variant.
Coding change: c.460C>T on transcript NM_000274.4 (MANE Select); coding-DNA position 460, C replaced by T.
Protein change: p.Arg154Cys; replaces arginine 154 with cysteine.
Molecular consequence: missense variant. On other transcripts: 5 prime UTR variant (1), intron variant (1).
Genome position (GRCh38, 1-based): chr10:124,408,602, G>A on the plus strand (C>T on the coding strand, the complement: OAT is on the minus strand). VCF-style: chr10-124408602-G-A. GRCh37 (hg19) VCF-style: chr10-126097171-G-A.
Other names: c.46C>T, p.Arg16Cys (NM_001171814.2); c.460C>T, p.Arg154Cys (NM_001322965.2, NM_001322966.2, NM_001322967.2 and 3 more transcripts); c.-255C>T (NM_001322974.2); c.200-3039C>T (NM_001322971.2); short protein forms R154C, R16C.
Identifiers: ClinVar variation 2146158 (VCV002146158.4), dbSNP rs1804030, ClinGen allele CA5733527.